The following is an entry in ClinVar:

NM_003742.4(ABCB11):c.1434+5G>A

Gene: ABCB11 (ATP binding cassette subfamily B member 11; minus strand). Cytogenetic location: 2q31.1.
Variant type: single nucleotide variant.
Coding change: c.1434+5G>A on transcript NM_003742.4 (MANE Select); 5 bases into the intron after coding-DNA position 1434, G replaced by A.
Molecular consequence: intron variant.
Genome position (GRCh38, 1-based): chr2:168,973,710, C>T on the plus strand (G>A on the coding strand, the complement: ABCB11 is on the minus strand). VCF-style: chr2-168973710-C-T. GRCh37 (hg19) VCF-style: chr2-169830220-C-T.
Identifiers: ClinVar variation 2444224 (VCV002444224.1), dbSNP rs2545395359, ClinGen allele CA2580064410.

ClinVar aggregate classification (germline): Uncertain significance (1 of 4 stars; one submission).

Conditions:
Progressive familial intrahepatic cholestasis type 2. Identifiers: Orphanet 79304, MedGen C3489789, MONDO:0011156, OMIM 601847.

Submission:

3billion
Classification: Uncertain significance for Progressive familial intrahepatic cholestasis type 2. Last evaluated: 2023-02-23. Review status: criteria provided, single submitter. Criteria: ACMG Guidelines, 2015. Collection method: clinical testing. Allele origin: unknown. Affected: yes.
Comment: The variant is not observed in the gnomAD v2.1.1 dataset. In silico tools predict the variant to alter splicing and produce an abnormal transcript (SpliceAI: 0.97). Therefore, this variant is classified as VUS according to the recommendation of ACMG/AMP guideline.